The following is an entry in ClinVar:

ClinVar aggregate classification (germline): Uncertain significance (1 of 4 stars; one submission).

Submission:

Labcorp Genetics (formerly Invitae), Labcorp
Classification: Uncertain significance. Last evaluated: 2022-07-13. Review status: criteria provided, single submitter. Criteria: Invitae Variant Classification Sherloc (09022015). Collection method: clinical testing. Allele origin: germline.
Comment: This variant, c.66_68dup, results in the insertion of 1 amino acid(s) of the DGAT1 protein (p.Gly23dup), but otherwise preserves the integrity of the reading frame. This variant is present in population databases (no rsID available, gnomAD 0.007%). This variant has not been reported in the literature in individuals affected with DGAT1-related conditions. Experimental studies and prediction algorithms are not available or were not evaluated, and the functional significance of this variant is currently unknown. In summary, the available evidence is currently insufficient to determine the role of this variant in disease. Therefore, it has been classified as a Variant of Uncertain Significance.

NM_012079.6(DGAT1):c.57CGG[5] (p.Gly23dup)

Genes: DGAT1 (diacylglycerol O-acyltransferase 1; minus strand), LOC130001386 (ATAC-STARR-seq lymphoblastoid silent region 19673; plus strand). Cytogenetic location: 8q24.3.
Variant type: Microsatellite.
Coding change: c.57CGG[5] on transcript NM_012079.6 (MANE Select); five copies in a row of the 3-base unit CGG starting at c.57; the reference has four copies in a row; one copy, 3 bases duplicated.
Protein change: p.Gly23dup; duplicates glycine 23.
Molecular consequence: inframe insertion.
Genome position (GRCh38, 1-based): chr8:144,326,569-144,326,571, CCG duplicated on the plus strand (CGG on the coding strand, the reverse complement: DGAT1 is on the minus strand); duplicating any 3 consecutive bases within chr8:144,326,569-144,326,580 gives the same sequence; the position shown is the placement nearest the transcript's 3' end. VCF-style (leftmost placement, unchanged base first): chr8-144326568-C-CCCG. GRCh37 (hg19) VCF-style: chr8-145550231-C-CCCG.
Identifiers: ClinVar variation 1467679 (VCV001467679.5), dbSNP rs1171779365, ClinGen allele CA585826851.
Genomic context (GRCh38, chr8:144,326,568, plus strand): 5'-CGCGGCTCCCACGTCGGGGCCCGCAGCGGCGTCCCGCACCTCCTCTTCCGCCGCCGCAGG[C>CCCG]CCGCCGCCGCCGTGGCTCGAGGGCCGCGACCCTGTCCTCCGGCGCCGGGAGCTGCCGCGG-3'